The following is an entry in ClinVar:

ClinVar aggregate classification (germline): Uncertain significance (1 of 4 stars; one submission).

Conditions:
Gorlin syndrome. Also called: Nevoid Basal Cell Carcinoma Syndrome; Basal cell nevus syndrome. Identifiers: Orphanet 377, MedGen C0004779, MONDO:0007187.

Submission:

Labcorp Genetics (formerly Invitae), Labcorp
Classification: Uncertain significance for Gorlin syndrome. Last evaluated: 2022-12-20. Review status: criteria provided, single submitter. Criteria: Invitae Variant Classification Sherloc (09022015). Collection method: clinical testing. Allele origin: germline.
Comment: This sequence change replaces glutamic acid, which is acidic and polar, with lysine, which is basic and polar, at codon 787 of the PTCH1 protein (p.Glu787Lys). This variant is not present in population databases (gnomAD no frequency). This variant has not been reported in the literature in individuals affected with PTCH1-related conditions. Advanced modeling of protein sequence and biophysical properties (such as structural, functional, and spatial information, amino acid conservation, physicochemical variation, residue mobility, and thermodynamic stability) has been performed at Invitae for this missense variant, however the output from this modeling did not meet the statistical confidence thresholds required to predict the impact of this variant on PTCH1 protein function. In summary, the available evidence is currently insufficient to determine the role of this variant in disease. Therefore, it has been classified as a Variant of Uncertain Significance.

NM_000264.5(PTCH1):c.2359G>A (p.Glu787Lys)

Genes: PTCH1 (patched 1; minus strand), LOC100507346 (uncharacterized LOC100507346; plus strand). Cytogenetic location: 9q22.32.
Variant type: single nucleotide variant.
Coding change: c.2359G>A on transcript NM_000264.5 (MANE Select); coding-DNA position 2359, G replaced by A.
Protein change: p.Glu787Lys; replaces glutamic acid 787 with lysine.
Molecular consequence: missense variant.
Genome position (GRCh38, 1-based): chr9:95,467,317, C>T on the plus strand (G>A on the coding strand, the complement: PTCH1 is on the minus strand). VCF-style: chr9-95467317-C-T. GRCh37 (hg19) VCF-style: chr9-98229599-C-T.
Other names: c.2161G>A, p.Glu721Lys (NM_001083602.3); c.2356G>A, p.Glu786Lys (NM_001083603.3); c.1906G>A, p.Glu636Lys (NM_001083604.3, NM_001083605.3, NM_001083606.3 and 1 more transcripts); c.2203G>A, p.Glu735Lys (NM_001354918.2); short protein forms E721K, E786K, E787K, E636K, E735K.
Identifiers: ClinVar variation 2822609 (VCV002822609.3), dbSNP rs1840098608, ClinGen allele CA374114496.